The following is an entry in ClinVar:

NM_014159.7(SETD2):c.999T>G (p.Ser333Arg)

Gene: SETD2 (SET domain containing 2, histone lysine methyltransferase; minus strand). Cytogenetic location: 3p21.31.
Variant type: single nucleotide variant.
Coding change: c.999T>G on transcript NM_014159.7 (MANE Select); coding-DNA position 999, T replaced by G.
Protein change: p.Ser333Arg; replaces serine 333 with arginine.
Molecular consequence: missense variant. On other transcripts: non-coding transcript variant (1).
Genome position (GRCh38, 1-based): chr3:47,123,637, A>C on the plus strand (T>G on the coding strand, the complement: SETD2 is on the minus strand). VCF-style: chr3-47123637-A-C. GRCh37 (hg19) VCF-style: chr3-47165127-A-C.
Other names: c.867T>G, p.Ser289Arg (NM_001349370.3); short protein forms S289R, S333R.
Identifiers: ClinVar variation 1803888 (VCV001803888.5), dbSNP rs765649664, ClinGen allele CA2363718.
Genomic context (GRCh38, chr3:47,123,637, plus strand): 5'-CTTTTTAAAATCTCTTTCCTTTTCAATGCTTGCTGAAAATTTTAAATCATGTGATCTTTG[A>C]CTTGAAGAAGTCCGTACAGAATCTTCATCAGATTCTGAACCAAGAAAGATGCCTTCAGAT-3'
Protein context (NP_054878.5, residues 323-343): SDEDSVRTSS[Ser333Arg]QRSHDLKFSA

ClinVar aggregate classification (germline): Uncertain significance. Review status: criteria provided, multiple submitters, no conflicts (2 of 4 stars). 2 submissions from 2 submitters: Uncertain significance (2). Last evaluated 2025-08-09.

Conditions:
Luscan-Lumish syndrome. Identifiers: Orphanet 597738, MedGen C4085873, MONDO:0014791, OMIM 616831.

Allele frequency attached by ClinVar (database versions not stated): TOPMed 0.00001.
gnomAD v4.1: 11 of 1,550,182 alleles (0.00071%); highest among the groups gnomAD compares: Non-Finnish European, 0.000087%; no homozygotes.

Submissions (2):

Labcorp Genetics (formerly Invitae), Labcorp
Classification: Uncertain significance for Luscan-Lumish syndrome. Last evaluated: 2025-08-09. Review status: criteria provided, single submitter. Criteria: Invitae Variant Classification Sherloc (09022015). Collection method: clinical testing. Allele origin: germline.
Comment: This sequence change replaces serine, which is neutral and polar, with arginine, which is basic and polar, at codon 333 of the SETD2 protein (p.Ser333Arg). This variant is present in population databases (rs765649664, gnomAD 0.05%). This variant has not been reported in the literature in individuals affected with SETD2-related conditions. ClinVar contains an entry for this variant (Variation ID: 1803888). Invitae Evidence Modeling of protein sequence and biophysical properties (such as structural, functional, and spatial information, amino acid conservation, physicochemical variation, residue mobility, and thermodynamic stability) has been performed for this missense variant. However, the output from this modeling did not meet the statistical confidence thresholds required to predict the impact of this variant on SETD2 protein function. In summary, the available evidence is currently insufficient to determine the role of this variant in disease. Therefore, it has been classified as a Variant of Uncertain Significance.

New York Genome Center
Classification: Uncertain significance for Luscan-Lumish syndrome. Last evaluated: 2021-12-16. Review status: criteria provided, single submitter. Criteria: NYGC Assertion Criteria 2020. Collection method: clinical testing. Allele origin: germline. Observed: 1 heterozygote.